The following is an entry in ClinVar:

NM_022124.6(CDH23):c.2388T>C (p.Asp796=)

Gene: CDH23 (cadherin related 23; plus strand). Cytogenetic location: 10q22.1.
Variant type: single nucleotide variant.
Coding change: c.2388T>C on transcript NM_022124.6 (MANE Select); coding-DNA position 2388, T replaced by C.
Protein change: p.Asp796=; no amino-acid change (aspartic acid 796 retained).
Molecular consequence: synonymous variant.
Genome position (GRCh38, 1-based): chr10:71,695,516, T>C. VCF-style: chr10-71695516-T-C. GRCh37 (hg19) VCF-style: chr10-73455273-T-C.
Other names: p.Asp796=; c.2388T>C, p.Asp796= (NM_001171930.2, NM_001171931.2).
Identifiers: ClinVar variation 45896 (VCV000045896.30), dbSNP rs3752751, ClinGen allele CA137326.
Genomic context (GRCh38, chr10:71,695,516, plus strand): 5'-CACGTGGAAGGACGCACCCTACTACATCAACCTGGTGGAGATGACCCCTCCAGACTCTGA[T>C]GTGACCACGGTAGGTGGTGGCAGAGCAGCAGAACTGCCAGGCGGCCCTTCCCAGGGGTCT-3'
Protein context (NP_071407.4, residues 786-806): NLVEMTPPDS[Asp796=]VTTVVAVDPD

ClinVar aggregate classification (germline): Benign. Review status: criteria provided, multiple submitters, no conflicts (2 of 4 stars). 14 submissions from 12 submitters: Benign (11). 3 of the submissions do not count toward it. Last evaluated 2026-02-04.

Conditions:
Usher syndrome type 1 (USH1). Also called: RETINITIS PIGMENTOSA AND CONGENITAL DEAFNESS. Identifiers: Orphanet 231169, Orphanet 886, MedGen C1568247, MONDO:0010168, OMIM 276900.
Autosomal recessive nonsyndromic hearing loss 12. Also called: DEAFNESS, AUTOSOMAL RECESSIVE 12. Identifiers: Orphanet 90636, MedGen C1832394, MONDO:0011067, OMIM 601386.
Usher syndrome type 1D (USH1D). Also called: USHER SYNDROME, TYPE ID. Identifiers: Orphanet 231169, Orphanet 886, MedGen C1832845, MONDO:0010984, OMIM 601067.

Allele frequency attached by ClinVar (database versions not stated): 1000 Genomes Project 30x 0.55231; 1000 Genomes Project 0.55391; TOPMed 0.62247; gnomAD 0.62413 and 0.62557; gnomAD exomes 0.62816 and 0.68336; ExAC 0.63630; ESP Exome Variant Server 0.66940.
gnomAD v4.1: 1,089,806 of 1,609,042 alleles (68%); highest among the groups gnomAD compares: Non-Finnish European, 71%; 374,173 homozygotes.

Submissions (14):

Labcorp Genetics (formerly Invitae), Labcorp
Classification: Benign. Last evaluated: 2026-02-04. Review status: criteria provided, single submitter. Criteria: Invitae Variant Classification Sherloc (09022015). Collection method: clinical testing. Allele origin: germline.

Women's Health and Genetics/Laboratory Corporation of America, LabCorp
Classification: Benign. Last evaluated: 2025-11-14. Review status: criteria provided, single submitter. Criteria: LabCorp Variant Classification Summary - May 2015. Collection method: clinical testing. Allele origin: germline.

Genome-Nilou Lab
Classification: Benign for Usher syndrome type 1D. Last evaluated: 2021-07-01. Review status: criteria provided, single submitter. Criteria: ACMG Guidelines, 2015. Collection method: clinical testing. Allele origin: germline. Affected: no.

Genome-Nilou Lab
Classification: Benign for Autosomal recessive nonsyndromic hearing loss 12. Last evaluated: 2021-07-01. Review status: criteria provided, single submitter. Criteria: ACMG Guidelines, 2015. Collection method: clinical testing. Allele origin: germline. Affected: no.

Mayo Clinic Laboratories, Mayo Clinic
Classification: Benign. Last evaluated: 2019-06-24. Review status: criteria provided, single submitter. Criteria: ACMG Guidelines, 2015. Collection method: clinical testing. Allele origin: germline. Observed: 142 variant alleles.

Illumina Laboratory Services, Illumina
Classification: Benign for Usher syndrome type 1D. Last evaluated: 2018-01-12. Review status: criteria provided, single submitter. Criteria: ICSL Variant Classification Criteria 13 December 2019. Collection method: clinical testing. Allele origin: germline.
Comment: This variant was observed in the ICSL laboratory as part of a predisposition screen in an ostensibly healthy population. It had not been previously curated by ICSL or reported in the Human Gene Mutation Database (HGMD: prior to June 1st, 2018), and was therefore a candidate for classification through an automated scoring system. Utilizing variant allele frequency, disease prevalence and penetrance estimates, and inheritance mode, an automated score was calculated to assess if this variant is too frequent to cause the disease. Based on the score and internal cut-off values, a variant classified as benign is not then subjected to further curation. The score for this variant resulted in a classification of benign for this disease.

Illumina Laboratory Services, Illumina
Classification: Benign for Autosomal recessive nonsyndromic hearing loss 12. Last evaluated: 2018-01-12. Review status: criteria provided, single submitter. Criteria: ICSL Variant Classification Criteria 13 December 2019. Collection method: clinical testing. Allele origin: germline.
Comment: the same text as in the submission from Illumina Laboratory Services, Illumina above.

GeneDx
Classification: Benign. Last evaluated: 2015-03-03. Review status: criteria provided, single submitter. Criteria: GeneDx Variant Classification Process June 2021. Collection method: clinical testing. Allele origin: germline. Affected: yes.

Laboratory for Molecular Medicine, Mass General Brigham Personalized Medicine
Classification: Benign. Last evaluated: 2012-02-02. Review status: criteria provided, single submitter. Criteria: LMM Criteria. Collection method: clinical testing. Allele origin: germline. Observed: 1,566 variant alleles.
Comment: Inferred frequency = 135/301

Breakthrough Genomics
Classification: Benign. Review status: criteria provided, single submitter. Criteria: ACMG Guidelines, 2015. Collection method: not provided. Allele origin: germline. Inheritance: Autosomal recessive inheritance. Affected: yes.

PreventionGenetics, part of Exact Sciences
Classification: Benign. Review status: criteria provided, single submitter. Criteria: ACMG Guidelines, 2015. Collection method: clinical testing. Allele origin: germline.

Natera, Inc.
Classification: Benign for Usher syndrome type 1. Last evaluated: 2020-09-16. Review status: no assertion criteria provided. Collection method: clinical testing. Allele origin: germline. Not counted in ClinVar's aggregate classification.

Diagnostic Laboratory, Department of Genetics, University Medical Center Groningen
Classification: Benign. Review status: no assertion criteria provided. Collection method: clinical testing. Allele origin: germline. Affected: yes. Study: VKGL Data-share Consensus. Not counted in ClinVar's aggregate classification.

Joint Genome Diagnostic Labs from Nijmegen and Maastricht, Radboudumc and MUMC+
Classification: Benign. Review status: no assertion criteria provided. Collection method: clinical testing. Allele origin: germline. Affected: yes. Study: VKGL Data-share Consensus. Not counted in ClinVar's aggregate classification.